The following is an entry in ClinVar:

NM_022124.6(CDH23):c.5959G>A (p.Ala1987Thr)

Gene: CDH23 (cadherin related 23; plus strand). Cytogenetic location: 10q22.1.
Variant type: single nucleotide variant.
Coding change: c.5959G>A on transcript NM_022124.6 (MANE Select); coding-DNA position 5959, G replaced by A.
Protein change: p.Ala1987Thr; replaces alanine 1987 with threonine.
Molecular consequence: missense variant.
Genome position (GRCh38, 1-based): chr10:71,790,323, G>A. VCF-style: chr10-71790323-G-A. GRCh37 (hg19) VCF-style: chr10-73550080-G-A.
Other names: short protein forms A1987T.
Identifiers: ClinVar variation 2495881 (VCV002495881.4), dbSNP rs1182394301, ClinGen allele CA377150560.

ClinVar aggregate classification (germline): Uncertain significance. Review status: criteria provided, multiple submitters, no conflicts (2 of 4 stars). 3 submissions from 3 submitters: Uncertain significance (3). Last evaluated 2024-07-02.

Conditions:
Inborn genetic diseases. Identifiers: MedGen C0950123, MeSH D030342.

Allele frequency attached by ClinVar (database versions not stated): TOPMed below 0.00001; gnomAD 0.00001; gnomAD exomes 0.00001.
gnomAD v4.1: 21 of 1,613,744 alleles (0.0013%); highest among the groups gnomAD compares: Non-Finnish European, 0.0016%; no homozygotes.

Submissions (3):

GeneDx
Classification: Uncertain significance. Last evaluated: 2024-07-02. Review status: criteria provided, single submitter. Criteria: GeneDx Variant Classification Process June 2021. Collection method: clinical testing. Allele origin: germline. Affected: yes.
Comment: In silico analysis supports that this missense variant has a deleterious effect on protein structure/function; Has not been previously published as pathogenic or benign to our knowledge

Ambry Genetics
Classification: Uncertain significance for Inborn genetic diseases. Last evaluated: 2023-03-14. Review status: criteria provided, single submitter. Criteria: Ambry Variant Classification Scheme 2023. Collection method: clinical testing. Allele origin: germline.

Blueprint Genetics
Classification: Uncertain significance. Last evaluated: 2022-11-16. Review status: criteria provided, single submitter. Criteria: ACMG Guidelines, 2015. Collection method: clinical testing. Allele origin: germline.